The following is an entry in ClinVar:

ClinVar aggregate classification (germline): Benign/Likely benign. Review status: criteria provided, multiple submitters, no conflicts (2 of 4 stars). 2 submissions from 2 submitters: Benign (1); Likely benign (1). Last evaluated 2023-10-10.

Allele frequency attached by ClinVar (database versions not stated): gnomAD exomes 0.00007; ExAC 0.00018; ESP Exome Variant Server 0.00048; gnomAD 0.00054; 1000 Genomes Project 0.00060; TOPMed 0.00075; 1000 Genomes Project 30x 0.00078.
gnomAD v4.1: 179 of 1,611,676 alleles (0.011%); highest among the groups gnomAD compares: African/African-American, 0.23%; no homozygotes.

Submissions (2):

Blueprint Genetics
Classification: Likely benign. Last evaluated: 2023-10-10. Review status: criteria provided, single submitter. Criteria: ACMG Guidelines, 2015. Collection method: clinical testing. Allele origin: germline.

CeGaT Center for Human Genetics Tuebingen
Classification: Benign. Last evaluated: 2022-09-01. Review status: criteria provided, single submitter. Criteria: CeGaT Center For Human Genetics Tuebingen Variant Classification Criteria Version 2. Collection method: clinical testing. Allele origin: germline. Affected: yes. Observed: 1 variant allele.
Comment: PHACTR1: BS1, BS2

NM_030948.6(PHACTR1):c.1335G>A (p.Arg445=)

Gene: PHACTR1 (phosphatase and actin regulator 1; plus strand). Cytogenetic location: 6p24.1.
Variant type: single nucleotide variant.
Coding change: c.1335G>A on transcript NM_030948.6 (MANE Select); coding-DNA position 1335, G replaced by A.
Protein change: p.Arg445=; no amino-acid change (arginine 445 retained).
Molecular consequence: synonymous variant.
Genome position (GRCh38, 1-based): chr6:13,230,137, G>A. VCF-style: chr6-13230137-G-A. GRCh37 (hg19) VCF-style: chr6-13230369-G-A.
Other names: c.1335G>A, p.Arg445= (NM_001242648.4, NM_001322308.3, NM_001322309.3 and 1 more transcripts); c.1542G>A, p.Arg514= (NM_001322310.2, NM_001374582.1); c.1059G>A, p.Arg353= (NM_001322311.2, NM_001322312.3, NM_001374583.2); c.1266G>A, p.Arg422= (NM_001322313.2); c.1545G>A, p.Arg515= (NM_001322314.4).
Identifiers: ClinVar variation 2656240 (VCV002656240.25), dbSNP rs146889071, ClinGen allele CA3639293.